The following is an entry in ClinVar:

ClinVar aggregate classification (germline): Pathogenic. Review status: criteria provided, multiple submitters, no conflicts (2 of 4 stars). 2 submissions from 2 submitters: Pathogenic (2). Last evaluated 2024-11-11.

Conditions:
Global developmental delay with speech and behavioral abnormalities. Identifiers: MedGen C5543226, MONDO:0030995, OMIM 619243.

Submissions (2):

3billion
Classification: Pathogenic for Global developmental delay with speech and behavioral abnormalities. Last evaluated: 2024-11-11. Review status: criteria provided, single submitter. Criteria: ACMG Guidelines, 2015. Collection method: clinical testing. Allele origin: germline. Affected: yes.
Comment: The variant is not observed in the gnomAD v4.1.0 dataset. Predicted Consequence/Location: Frameshift: predicted to result in a loss or disruption of normal protein function through nonsense-mediated decay (NMD) or protein truncation. Multiple pathogenic variants are reported downstream of the variant. The variant has been reported to be associated with TNRC6B-related disorder (ClinVar ID: VCV001205080). Therefore, this variant is classified as Pathogenic according to the recommendation of ACMG/AMP guideline.

GeneDx
Classification: Pathogenic. Last evaluated: 2020-07-23. Review status: criteria provided, single submitter. Criteria: GeneDx Variant Classification Process June 2021. Collection method: clinical testing. Allele origin: germline. Affected: yes.
Comment: Frameshift variant predicted to result in protein truncation or nonsense mediated decay in a gene for which loss-of-function is a known mechanism of disease; Not observed in large population cohorts (Lek et al., 2016); Has not been previously published as pathogenic or benign to our knowledge

NM_001162501.2(TNRC6B):c.4551_4554del (p.Asp1518fs)

Gene: TNRC6B (trinucleotide repeat containing adaptor 6B; plus strand). Cytogenetic location: 22q13.1.
Variant type: Deletion.
Coding change: c.4551_4554del on transcript NM_001162501.2 (MANE Select); coding-DNA positions 4551 to 4554, 4 bases deleted (TGAC; older notation c.4551_4554delTGAC).
Protein change: p.Asp1518fs; shifts the reading frame from aspartic acid 1518.
Molecular consequence: frameshift variant.
Genome position (GRCh38, 1-based): chr22:40,312,620-40,312,623, TGAC deleted; deleting any 4 consecutive bases within chr22:40,312,618-40,312,623 gives the same sequence; the c. name uses the placement nearest the transcript's 3' end. VCF-style (leftmost placement, unchanged base first): chr22-40312617-TACTG-T. GRCh37 (hg19) VCF-style: chr22-40708621-TACTG-T.
Other names: c.2139_2142del, p.Asp714fs (NM_001024843.2); c.4221_4224del, p.Asp1408fs (NM_015088.3); short protein forms D1408fs, D1518fs, D714fs.
Identifiers: ClinVar variation 1205080 (VCV001205080.4), dbSNP rs2146565741, ClinGen allele CA2499226187.